The following is an entry in ClinVar:

NM_006208.3(ENPP1):c.916A>T (p.Ile306Phe)

Gene: ENPP1 (ectonucleotide pyrophosphatase/phosphodiesterase 1; plus strand). Cytogenetic location: 6q23.2.
Variant type: single nucleotide variant.
Coding change: c.916A>T on transcript NM_006208.3 (MANE Select); coding-DNA position 916, A replaced by T.
Protein change: p.Ile306Phe; replaces isoleucine 306 with phenylalanine.
Molecular consequence: missense variant.
Genome position (GRCh38, 1-based): chr6:131,861,595, A>T. VCF-style: chr6-131861595-A-T. GRCh37 (hg19) VCF-style: chr6-132182735-A-T.
Other names: short protein forms I306F.
Identifiers: ClinVar variation 1722104 (VCV001722104.5), dbSNP rs1189850595, ClinGen allele CA365668823.

ClinVar aggregate classification (germline): Uncertain significance (1 of 4 stars; one submission).

Submission:

Labcorp Genetics (formerly Invitae), Labcorp
Classification: Uncertain significance. Last evaluated: 2022-10-23. Review status: criteria provided, single submitter. Criteria: Invitae Variant Classification Sherloc (09022015). Collection method: clinical testing. Allele origin: germline.
Comment: In summary, the available evidence is currently insufficient to determine the role of this variant in disease. Therefore, it has been classified as a Variant of Uncertain Significance. Algorithms developed to predict the effect of missense changes on protein structure and function are either unavailable or do not agree on the potential impact of this missense change (SIFT: "Deleterious"; PolyPhen-2: "Possibly Damaging"; Align-GVGD: "Class C15"). This variant has not been reported in the literature in individuals affected with ENPP1-related conditions. This variant is not present in population databases (gnomAD no frequency). This sequence change replaces isoleucine, which is neutral and non-polar, with phenylalanine, which is neutral and non-polar, at codon 306 of the ENPP1 protein (p.Ile306Phe).